The following is an entry in ClinVar:

ClinVar aggregate classification (germline): Uncertain significance (1 of 4 stars; one submission).

Submission:

Women's Health and Genetics/Laboratory Corporation of America, LabCorp
Classification: Uncertain significance. Last evaluated: 2023-11-10. Review status: criteria provided, single submitter. Criteria: LabCorp Variant Classification Summary - May 2015. Collection method: clinical testing. Allele origin: germline.
Comment: Variant summary: The variant identified by MLPA or other technology involves the deletion of exons 11-22 in the TMEM63A gene. A presumed nomenclature of c.(746+1_747-1)_(2187+1_2188-1)del has been designated for the purposes of this classification. Although exact breakpoints of this deletion are not known, it is expected to result in a frameshift in the TMEM63A gene, where molecular mechanism of disease is gain of function. The variant was absent in 21694 control chromosomes (gnomAD, structural variants data set). The available data on variant occurrences in the general population are insufficient to allow any conclusion about variant significance. To our knowledge, no occurrence of c.(746+1_747-1)_(2187+1_2188-1)del in individuals affected with Leukodystrophy, Hypomyelinating, 19, Transient Infantile and no experimental evidence demonstrating its impact on protein function have been reported. No submitters have cited clinical-significance assessments for this variant to ClinVar after 2014. Based on the evidence outlined above, the variant was classified as uncertain significance.

NC_000001.10:g.(226036256_226036597)_(226050552_226053596)del

Gene: TMEM63A (transmembrane protein 63A; minus strand). Cytogenetic location: 1q42.12.
Variant type: Deletion.
Identifiers: ClinVar variation 2682460 (VCV002682460.1).